The following is an entry in ClinVar:

NM_001353345.2(SETD1B):c.2173G>A (p.Val725Met)

Gene: SETD1B (SET domain containing 1B, histone lysine methyltransferase; plus strand). Cytogenetic location: 12q24.31.
Variant type: single nucleotide variant.
Coding change: c.2173G>A on transcript NM_001353345.2 (MANE Select); coding-DNA position 2173, G replaced by A.
Protein change: p.Val725Met; replaces valine 725 with methionine.
Molecular consequence: missense variant.
Genome position (GRCh38, 1-based): chr12:121,814,388, G>A. VCF-style: chr12-121814388-G-A. GRCh37 (hg19) VCF-style: chr12-122252294-G-A.
Other names: short protein forms V725M.
Identifiers: ClinVar variation 4976465 (VCV004976465.1).
Genomic context (GRCh38, chr12:121,814,388, plus strand): 5'-ATGCCCCCACCGCTGCCCCCACCGCCGCCCCCACCCCCTCCAGCCCACCCTGCTGTGACA[G>A]TGCCCCCACCACCCTTGCCAGCGCCGCCTGGAGTCCCGCCCCCACCCATCCTGCCACCAC-3'
Protein context (NP_001340274.1, residues 715-735): PPPPAHPAVT[Val725Met]PPPPLPAPPG

ClinVar aggregate classification (germline): Uncertain significance (1 of 4 stars; one submission).

Submission:

GeneDx
Classification: Uncertain significance. Last evaluated: 2026-02-09. Review status: criteria provided, single submitter. Criteria: GeneDx Variant Classification Process June 2021. Collection method: clinical testing. Allele origin: germline.
Comment: Not observed at significant frequency in large population cohorts (gnomAD); In silico analysis suggests that this missense variant does not alter protein structure/function; Has not been previously published as pathogenic or benign to our knowledge